The following is an entry in ClinVar:

ClinVar aggregate classification (germline): Uncertain significance. Review status: criteria provided, multiple submitters, no conflicts (2 of 4 stars). 4 submissions from 4 submitters: Uncertain significance (4). Last evaluated 2025-09-10.

Conditions:
Developmental and epileptic encephalopathy, 42 (DEE42A). Also called: DEVELOPMENTAL AND EPILEPTIC ENCEPHALOPATHY 42A; Epileptic encephalopathy, early infantile, 42; EPILEPTIC ENCEPHALOPATHY, EARLY INFANTILE, 42A. Identifiers: MedGen C4310716, MONDO:0014917, OMIM 617106.
Episodic ataxia type 2 (EA2). Also called: ATAXIA, EPISODIC, WITH NYSTAGMUS; ATAXIA, FAMILIAL PAROXYSMAL; CEREBELLAR ATAXIA, PAROXYSMAL, ACETAZOLAMIDE-RESPONSIVE; CEREBELLOPATHY, HEREDITARY PAROXYSMAL; EPISODIC ATAXIA, NYSTAGMUS-ASSOCIATED; ACETAZOLAMIDE-RESPONSIVE HEREDITARY PAROXYSMAL CEREBELLAR ATAXIA. Identifiers: Orphanet 97, MedGen C1720416, MONDO:0007163, OMIM 108500.
Inborn genetic diseases. Identifiers: MedGen C0950123, MeSH D030342.

Allele frequency attached by ClinVar (database versions not stated): gnomAD exomes below 0.00001 and 0.00001; TOPMed 0.00003; gnomAD 0.00004; 1000 Genomes Project 30x 0.00016; 1000 Genomes Project 0.00020.
gnomAD v4.1: 16 of 1,613,770 alleles (0.00099%); highest among the groups gnomAD compares: Non-Finnish European, 0.0014%; no homozygotes.

Submissions (4):

Labcorp Genetics (formerly Invitae), Labcorp
Classification: Uncertain significance for Developmental and epileptic encephalopathy, 42; Episodic ataxia type 2. Last evaluated: 2025-09-10. Review status: criteria provided, single submitter. Criteria: Invitae Variant Classification Sherloc (09022015). Collection method: clinical testing. Allele origin: germline.
Comment: This sequence change replaces aspartic acid, which is acidic and polar, with asparagine, which is neutral and polar, at codon 1628 of the CACNA1A protein (p.Asp1628Asn). This variant is present in population databases (rs573209959, gnomAD 0.002%). This variant has not been reported in the literature in individuals affected with CACNA1A-related conditions. ClinVar contains an entry for this variant (Variation ID: 573939). Invitae Evidence Modeling of protein sequence and biophysical properties (such as structural, functional, and spatial information, amino acid conservation, physicochemical variation, residue mobility, and thermodynamic stability) indicates that this missense variant is expected to disrupt CACNA1A protein function with a positive predictive value of 95%. In summary, the available evidence is currently insufficient to determine the role of this variant in disease. Therefore, it has been classified as a Variant of Uncertain Significance.

CeGaT Center for Human Genetics Tuebingen
Classification: Uncertain significance. Last evaluated: 2023-01-01. Review status: criteria provided, single submitter. Criteria: CeGaT Center For Human Genetics Tuebingen Variant Classification Criteria Version 2. Collection method: clinical testing. Allele origin: germline. Affected: yes. Observed: 1 variant allele.
Comment: CACNA1A: PP2, PP3

GeneDx
Classification: Uncertain significance. Last evaluated: 2022-07-11. Review status: criteria provided, single submitter. Criteria: GeneDx Variant Classification Process June 2021. Collection method: clinical testing. Allele origin: germline. Affected: yes.
Comment: In silico analysis supports that this missense variant has a deleterious effect on protein structure/function; Has not been previously published as pathogenic or benign to our knowledge

Ambry Genetics
Classification: Uncertain significance for Inborn genetic diseases. Last evaluated: 2021-05-17. Review status: criteria provided, single submitter. Criteria: Ambry Variant Classification Scheme 2023. Collection method: clinical testing. Allele origin: germline.

NM_001127222.2(CACNA1A):c.4879G>A (p.Asp1627Asn)

Gene: CACNA1A (calcium voltage-gated channel subunit alpha1 A; minus strand). Cytogenetic location: 19p13.13.
Variant type: single nucleotide variant.
Coding change: c.4879G>A on transcript NM_001127222.2 (MANE Select); coding-DNA position 4879, G replaced by A.
Protein change: p.Asp1627Asn; replaces aspartic acid 1627 with asparagine.
Molecular consequence: missense variant.
Genome position (GRCh38, 1-based): chr19:13,245,253, C>T on the plus strand (G>A on the coding strand, the complement: CACNA1A is on the minus strand). VCF-style: chr19-13245253-C-T. GRCh37 (hg19) VCF-style: chr19-13356067-C-T.
Other names: c.4891G>A, p.Asp1631Asn (NM_000068.4, NM_023035.3); c.4882G>A, p.Asp1628Asn (NM_001127221.2, NM_001174080.2); short protein forms D1628N, D1631N, D1627N.
Identifiers: ClinVar variation 573939 (VCV000573939.33), dbSNP rs573209959, ClinGen allele CA305526504.
Genomic context (GRCh38, chr19:13,245,253, plus strand): 5'-TCACGAGGATATCGGTGATGCTGCCCAGAACAGTCACAAAGTCGAAGATGTTCCAGGCAT[C>T]GCGGAAATAATTCTAGAATGGGGACCCACAAGACAGAGATGCCAACAGAGGGCTTGGTTC-3'
Protein context (NP_001120694.1, residues 1617-1637): MAFGILNYFR[Asp1627Asn]AWNIFDFVTV